The following is an entry in ClinVar:

ClinVar aggregate classification (germline): Uncertain significance (1 of 4 stars; one submission).

Conditions:
DLG2-related disorder. Also called: DLG2-related condition.

Submission:

PreventionGenetics, part of Exact Sciences
Classification: Uncertain significance for DLG2-related condition. Last evaluated: 2026-07-08. Review status: criteria provided, single submitter. Criteria: ACMG Guidelines, 2015. Collection method: clinical testing. Allele origin: germline.
Comment: The DLG2 c.2194-3_2194-2delCA variant is predicted to result in a deletion affecting a canonical splice site. To our knowledge, this variant has not been reported in the literature or in a large population database (gnomAD), indicating this variant is rare. Effect of this variant on mRNA splicing is unclear, however based on available splicing prediction programs (Alamut Visual v2.11) the change of splice site is not predicted. At this time, the clinical significance of this variant is uncertain due to the absence of conclusive functional and genetic evidence.

NM_001142699.3(DLG2):c.2194-3_2194-2del

Gene: DLG2 (discs large MAGUK scaffold protein 2; minus strand). Cytogenetic location: 11q14.1.
Variant type: Microsatellite.
Coding change: c.2194-3_2194-2del on transcript NM_001142699.3 (MANE Select); 3 bases into the intron before coding-DNA position 2194 through the canonical splice acceptor site of the intron before coding-DNA position 2194, 2 bases deleted (CA; older notation c.2194-3_2194-2delCA).
Molecular consequence: splice acceptor variant. On other transcripts: intron variant (18).
Genome position (GRCh38, 1-based): chr11:83,484,230-83,484,231, TG deleted on the plus strand (CA on the coding strand, the reverse complement: DLG2 is on the minus strand); deleting any 2 consecutive bases within chr11:83,484,230-83,484,233 gives the same sequence; the c. name uses the placement nearest the transcript's 3' end. VCF-style (leftmost placement, unchanged base first): chr11-83484229-CTG-C. GRCh37 (hg19) VCF-style: chr11-83195272-CTG-C.
Other names: c.2230-933_2230-932del (NM_001351274.2); c.2227-933_2227-932del (NM_001351275.2); c.1879-933_1879-932del (NM_001300983.1, NM_001377968.1); c.1879-3_1879-2del (NM_001364.3); c.1936-933_1936-932del (NM_001351276.2); c.1753-933_1753-932del (NM_001377973.1); c.1840-933_1840-932del (NM_001377971.1); c.1840-3_1840-2del (NM_001377970.1); and 10 more.
Identifiers: ClinVar variation 2635091 (VCV002635091.2), dbSNP rs2093350555, ClinGen allele CA940216996.